The following is an entry in ClinVar:

ClinVar aggregate classification (germline): Uncertain significance (1 of 4 stars; one submission).

Allele frequency attached by ClinVar (database versions not stated): gnomAD exomes below 0.00001; TOPMed below 0.00001; gnomAD 0.00001.
gnomAD v4.1: 6 of 1,611,904 alleles (0.00037%); highest among the groups gnomAD compares: Admixed American, 0.0017%; no homozygotes.

Submission:

Labcorp Genetics (formerly Invitae), Labcorp
Classification: Uncertain significance. Last evaluated: 2022-04-13. Review status: criteria provided, single submitter. Criteria: Invitae Variant Classification Sherloc (09022015). Collection method: clinical testing. Allele origin: germline.
Comment: In summary, the available evidence is currently insufficient to determine the role of this variant in disease. Therefore, it has been classified as a Variant of Uncertain Significance. Algorithms developed to predict the effect of missense changes on protein structure and function output the following: SIFT: "Tolerated"; PolyPhen-2: "Benign"; Align-GVGD: "Class C0". The valine amino acid residue is found in multiple mammalian species, which suggests that this missense change does not adversely affect protein function. This variant has not been reported in the literature in individuals affected with MPDZ-related conditions. The frequency data for this variant in the population databases is considered unreliable, as metrics indicate poor data quality at this position in the gnomAD database. This sequence change replaces alanine, which is neutral and non-polar, with valine, which is neutral and non-polar, at codon 676 of the MPDZ protein (p.Ala676Val).

NM_001378778.1(MPDZ):c.2027C>T (p.Ala676Val)

Gene: MPDZ (multiple PDZ domain crumbs cell polarity complex component; minus strand). Cytogenetic location: 9p23.
Variant type: single nucleotide variant.
Coding change: c.2027C>T on transcript NM_001378778.1 (MANE Select); coding-DNA position 2027, C replaced by T.
Protein change: p.Ala676Val; replaces alanine 676 with valine.
Molecular consequence: missense variant.
Genome position (GRCh38, 1-based): chr9:13,190,241, G>A on the plus strand (C>T on the coding strand, the complement: MPDZ is on the minus strand). VCF-style: chr9-13190241-G-A. GRCh37 (hg19) VCF-style: chr9-13190240-G-A.
Other names: c.2027C>T, p.Ala676Val (NM_001261406.2, NM_001261407.2, NM_001330637.2 and 14 more transcripts); short protein forms A676V.
Identifiers: ClinVar variation 1941756 (VCV001941756.5), dbSNP rs1368309728, ClinGen allele CA372938716.